The following is an entry in ClinVar:

ClinVar aggregate classification (germline): Likely benign. Review status: criteria provided, multiple submitters, no conflicts (2 of 4 stars). 2 submissions from 2 submitters: Likely benign (2). Last evaluated 2025-12-05.

Allele frequency attached by ClinVar (database versions not stated): TOPMed below 0.00001; gnomAD 0.00001; gnomAD exomes 0.00001; ExAC 0.00002.
gnomAD v4.1: 12 of 1,613,960 alleles (0.00074%); highest among the groups gnomAD compares: East Asian, 0.0045%; no homozygotes.

Submissions (2):

Mayo Clinic Laboratories, Mayo Clinic
Classification: Likely benign. Last evaluated: 2025-12-05. Review status: criteria provided, single submitter. Criteria: ACMG Guidelines, 2015. Collection method: clinical testing. Allele origin: germline. Observed: 1 variant allele.
Comment: BP4, BP7

Labcorp Genetics (formerly Invitae), Labcorp
Classification: Likely benign. Last evaluated: 2025-01-28. Review status: criteria provided, single submitter. Criteria: Invitae Variant Classification Sherloc (09022015). Collection method: clinical testing. Allele origin: germline.

NM_000204.5(CFI):c.453C>T (p.Asn151=)

Gene: CFI (complement factor I; minus strand). Cytogenetic location: 4q25.
Variant type: single nucleotide variant.
Coding change: c.453C>T on transcript NM_000204.5 (MANE Select); coding-DNA position 453, C replaced by T.
Protein change: p.Asn151=; no amino-acid change (asparagine 151 retained).
Molecular consequence: synonymous variant. On other transcripts: non-coding transcript variant (3), intron variant (1).
Genome position (GRCh38, 1-based): chr4:109,764,566, G>A on the plus strand (C>T on the coding strand, the complement: CFI is on the minus strand). VCF-style: chr4-109764566-G-A. GRCh37 (hg19) VCF-style: chr4-110685722-G-A.
Other names: p.Asn151=; c.453C>T, p.Asn151= (NM_001318057.2, NM_001331035.2, NM_001375278.1 and 5 more transcripts); c.-127-2874C>T (NM_001375284.1); c.453C>T (NM_000204.4).
Identifiers: ClinVar variation 1646712 (VCV001646712.9), dbSNP rs745897189, ClinGen allele CA3042271.